The following is an entry in ClinVar:

NM_001101362.3(KBTBD13):c.627C>T (p.Asn209=)

Gene: KBTBD13 (kelch repeat and BTB domain containing 13; plus strand). Cytogenetic location: 15q22.31.
Variant type: single nucleotide variant.
Coding change: c.627C>T on transcript NM_001101362.3 (MANE Select); coding-DNA position 627, C replaced by T.
Protein change: p.Asn209=; no amino-acid change (asparagine 209 retained).
Molecular consequence: synonymous variant.
Genome position (GRCh38, 1-based): chr15:65,077,442, C>T. VCF-style: chr15-65077442-C-T. GRCh37 (hg19) VCF-style: chr15-65369780-C-T.
Identifiers: ClinVar variation 2698989 (VCV002698989.3), dbSNP rs2140544530, ClinGen allele CA490899161.
Genomic context (GRCh38, chr15:65,077,442, plus strand): 5'-GCTGGCTGCGCTGCCCCTGGAGGCCAGCACGTTGCTGGCCGGGGTGGCCACGCTGGGCAA[C>T]AAGCTTTACATCGTGGGGGGCGTGCGCGGCGCCAGCAAGGAGGTGGTAGAGCTGGGCTTC-3'
Protein context (NP_001094832.1, residues 199-219): TLLAGVATLG[Asn209=]KLYIVGGVRG

ClinVar aggregate classification (germline): Uncertain significance (1 of 4 stars; one submission).

Conditions:
Nemaline myopathy 6 (NEM6). Also called: Nemaline myopathy 6, autosomal dominant. Identifiers: Orphanet 171439, MedGen C1836472, MONDO:0012237, OMIM 609273.

Submission:

Labcorp Genetics (formerly Invitae), Labcorp
Classification: Uncertain significance for Nemaline myopathy 6. Last evaluated: 2024-02-29. Review status: criteria provided, single submitter. Criteria: Invitae Variant Classification Sherloc (09022015). Collection method: clinical testing. Allele origin: germline.
Comment: This sequence change affects codon 209 of the KBTBD13 mRNA. It is a 'silent' change, meaning that it does not change the encoded amino acid sequence of the KBTBD13 protein. This variant is not present in population databases (gnomAD no frequency). This variant has not been reported in the literature in individuals affected with KBTBD13-related conditions. Experimental studies and prediction algorithms are not available or were not evaluated, and the effect of this variant on mRNA splicing is currently unknown. In summary, the available evidence is currently insufficient to determine the role of this variant in disease. Therefore, it has been classified as a Variant of Uncertain Significance.